The following is an entry in ClinVar:

ClinVar aggregate classification (germline): Uncertain significance (1 of 4 stars; one submission).

Conditions:
Malignant hyperthermia, susceptibility to, 5 (MHS5). Also called: CACNA1S-Related Malignant Hyperthermia Susceptibility. Identifiers: Orphanet 423, MedGen C1866077, MONDO:0011163, OMIM 601887.
Hypokalemic periodic paralysis, type 1. Also called: Hypokalemic Periodic Paralysis Type 1 (AD); HypoPP. Identifiers: Orphanet 681, MedGen C3714580, MONDO:0042979, OMIM 170400.

Submission:

Labcorp Genetics (formerly Invitae), Labcorp
Classification: Uncertain significance for Hypokalemic periodic paralysis, type 1; Malignant hyperthermia, susceptibility to, 5. Last evaluated: 2025-04-10. Review status: criteria provided, single submitter. Criteria: Invitae Variant Classification Sherloc (09022015). Collection method: clinical testing. Allele origin: germline.
Comment: This sequence change replaces glutamic acid, which is acidic and polar, with lysine, which is basic and polar, at codon 819 of the CACNA1S protein (p.Glu819Lys). This variant is not present in population databases (gnomAD no frequency). This variant has not been reported in the literature in individuals affected with CACNA1S-related conditions. Invitae Evidence Modeling of protein sequence and biophysical properties (such as structural, functional, and spatial information, amino acid conservation, physicochemical variation, residue mobility, and thermodynamic stability) has been performed for this missense variant. However, the output from this modeling did not meet the statistical confidence thresholds required to predict the impact of this variant on CACNA1S protein function. In summary, the available evidence is currently insufficient to determine the role of this variant in disease. Therefore, it has been classified as a Variant of Uncertain Significance.

NM_000069.3(CACNA1S):c.2455G>A (p.Glu819Lys)

Gene: CACNA1S (calcium voltage-gated channel subunit alpha1 S; minus strand). Cytogenetic location: 1q32.1.
Variant type: single nucleotide variant.
Coding change: c.2455G>A on transcript NM_000069.3 (MANE Select); coding-DNA position 2455, G replaced by A.
Protein change: p.Glu819Lys; replaces glutamic acid 819 with lysine.
Molecular consequence: missense variant.
Genome position (GRCh38, 1-based): chr1:201,069,507, C>T on the plus strand (G>A on the coding strand, the complement: CACNA1S is on the minus strand). VCF-style: chr1-201069507-C-T. GRCh37 (hg19) VCF-style: chr1-201038635-C-T.
Other names: short protein forms E819K.
Identifiers: ClinVar variation 4783509 (VCV004783509.1).